The following is an entry in ClinVar:

ClinVar aggregate classification (germline): Likely pathogenic (1 of 4 stars; one submission).

Conditions:
Congenital short bowel syndrome, autosomal recessive. Identifiers: MedGen CN296805, MONDO:0020718, OMIM 615237.

Submission:

Juno Genomics, Hangzhou Juno Genomics, Inc
Classification: Likely pathogenic for Congenital short bowel syndrome, autosomal recessive. Review status: criteria provided, single submitter. Criteria: ACMG Guidelines, 2015. Collection method: clinical testing. Allele origin: germline. Affected: yes.
Comment: Absent from controls (or at extremely low frequency if recessive) in Genome Aggregation Database, Exome Sequencing Project, 1000 Genomes Project, or Exome Aggregation Consortium.;Null variant in a gene where loss of function (LOF) is a known mechanism of disease.

NM_024769.5(CLMP):c.23T>A (p.Leu8Ter)

Gene: CLMP (CXADR like cell adhesion molecule; minus strand). Cytogenetic location: 11q24.1.
Variant type: single nucleotide variant.
Coding change: c.23T>A on transcript NM_024769.5 (MANE Select); coding-DNA position 23, T replaced by A.
Protein change: p.Leu8Ter; replaces leucine 8 with a stop codon.
Molecular consequence: nonsense.
Genome position (GRCh38, 1-based): chr11:123,194,918, A>T on the plus strand (T>A on the coding strand, the complement: CLMP is on the minus strand). VCF-style: chr11-123194918-A-T. GRCh37 (hg19) VCF-style: chr11-123065626-A-T.
Other names: short protein forms L8*.
Identifiers: ClinVar variation 3383207 (VCV003383207.2).